The following is an entry in ClinVar:

ClinVar aggregate classification (germline): Uncertain significance. Review status: criteria provided, multiple submitters, no conflicts (2 of 4 stars). 2 submissions from 2 submitters: Uncertain significance (2). Last evaluated 2023-06-07.

Allele frequency attached by ClinVar (database versions not stated): TOPMed 0.00001; ExAC 0.00002; gnomAD 0.00003.
gnomAD v4.1: 13 of 1,209,870 alleles (0.0011%); highest among the groups gnomAD compares: East Asian, 0.0089%; no homozygotes.

Submissions (2):

Ambry Genetics
Classification: Uncertain significance. Last evaluated: 2023-06-07. Review status: criteria provided, single submitter. Criteria: Ambry Variant Classification Scheme 2023. Collection method: clinical testing. Allele origin: germline.

Labcorp Genetics (formerly Invitae), Labcorp
Classification: Uncertain significance. Last evaluated: 2022-01-26. Review status: criteria provided, single submitter. Criteria: Invitae Variant Classification Sherloc (09022015). Collection method: clinical testing. Allele origin: germline.
Comment: This variant has not been reported in the literature in individuals affected with DRP2-related conditions. The frequency data for this variant in the population databases is considered unreliable, as metrics indicate poor data quality at this position in the gnomAD database. This sequence change replaces arginine, which is basic and polar, with histidine, which is basic and polar, at codon 199 of the DRP2 protein (p.Arg199His). Algorithms developed to predict the effect of missense changes on protein structure and function (SIFT, PolyPhen-2, Align-GVGD) all suggest that this variant is likely to be disruptive. In summary, the available evidence is currently insufficient to determine the role of this variant in disease. Therefore, it has been classified as a Variant of Uncertain Significance.

NM_001939.3(DRP2):c.596G>A (p.Arg199His)

Gene: DRP2 (dystrophin related protein 2; plus strand). Cytogenetic location: Xq22.1.
Variant type: single nucleotide variant.
Coding change: c.596G>A on transcript NM_001939.3 (MANE Select); coding-DNA position 596, G replaced by A.
Protein change: p.Arg199His; replaces arginine 199 with histidine.
Molecular consequence: missense variant.
Genome position (GRCh38, 1-based): chrX:101,241,704, G>A. VCF-style: chrX-101241704-G-A. GRCh37 (hg19) VCF-style: chrX-100496693-G-A.
Other names: c.362G>A, p.Arg121His (NM_001171184.2); c.596G>A (NM_001939.2); short protein forms R121H, R199H.
Identifiers: ClinVar variation 2416748 (VCV002416748.9), dbSNP rs753921064, ClinGen allele CA10472111.
Genomic context (GRCh38, chrX:101,241,704, plus strand): 5'-CTGGCTTCCTGCCTCCTCTTGCAGATACCTCCCCGAAACAGCGGATCCAGAATCTCAGCC[G>A]CTTTGTATGGAAGCAGGCGACGGTGGCCAGTGAACTGTGGGAGAAGTTGACAGCCCGCTG-3'
Protein context (NP_001930.2, residues 189-209): SPKQRIQNLS[Arg199His]FVWKQATVAS